The following is an entry in ClinVar:

NM_005144.5(HR):c.2900G>C (p.Gly967Ala)

Gene: HR (HR lysine demethylase and nuclear receptor corepressor; minus strand). Cytogenetic location: 8p21.3.
Variant type: single nucleotide variant.
Coding change: c.2900G>C on transcript NM_005144.5 (MANE Select); coding-DNA position 2900, G replaced by C.
Protein change: p.Gly967Ala; replaces glycine 967 with alanine.
Molecular consequence: missense variant.
Genome position (GRCh38, 1-based): chr8:22,119,837, C>G on the plus strand (G>C on the coding strand, the complement: HR is on the minus strand). VCF-style: chr8-22119837-C-G. GRCh37 (hg19) VCF-style: chr8-21977350-C-G.
Other names: c.2900G>C, p.Gly967Ala (NM_018411.4); short protein forms G967A.
Identifiers: ClinVar variation 2839702 (VCV002839702.3), dbSNP rs2538872928, ClinGen allele CA370517365.

ClinVar aggregate classification (germline): Uncertain significance (1 of 4 stars; one submission).

Submission:

Labcorp Genetics (formerly Invitae), Labcorp
Classification: Uncertain significance. Last evaluated: 2023-02-22. Review status: criteria provided, single submitter. Criteria: Invitae Variant Classification Sherloc (09022015). Collection method: clinical testing. Allele origin: germline.
Comment: In summary, the available evidence is currently insufficient to determine the role of this variant in disease. Therefore, it has been classified as a Variant of Uncertain Significance. An algorithm developed to predict the effect of missense changes on protein structure and function (PolyPhen-2) suggests that this variant is likely to be disruptive. This variant has not been reported in the literature in individuals affected with HR-related conditions. This variant is not present in population databases (gnomAD no frequency). This sequence change replaces glycine, which is neutral and non-polar, with alanine, which is neutral and non-polar, at codon 967 of the HR protein (p.Gly967Ala).